The following is an entry in ClinVar:

ClinVar aggregate classification (germline): Conflicting classifications of pathogenicity. Review status: criteria provided, conflicting classifications (1 of 4 stars). 5 submissions from 5 submitters: Uncertain significance (2); Likely benign (3). Last evaluated 2026-07-21.

Conditions:
TRMU-related disorder. Also called: TRMU-related condition.

Allele frequency attached by ClinVar (database versions not stated): ExAC 0.00001; gnomAD exomes 0.00002; TOPMed 0.00003; gnomAD 0.00004.
gnomAD v4.1: 39 of 1,613,322 alleles (0.0024%); highest among the groups gnomAD compares: Admixed American, 0.01%; no homozygotes.

Submissions (5):

PreventionGenetics, part of Exact Sciences
Classification: Uncertain significance for TRMU-related condition. Last evaluated: 2026-07-21. Review status: criteria provided, single submitter. Criteria: ACMG Guidelines, 2015. Collection method: clinical testing. Allele origin: germline.
Comment: The TRMU c.68C>T variant is predicted to result in the amino acid substitution p.Thr23Met. This variant is referred to as c.429C>T in the default transcript in the Human Genome Mutation Database (NM_018006.5), which is not predicted to result in an amino acid change (p.=). To our knowledge, this variant has not been reported in the literature. This variant is reported in 0.011% of alleles in individuals of Latino descent in gnomAD. At this time, the clinical significance of this variant is uncertain due to the absence of conclusive functional and genetic evidence.

Labcorp Genetics (formerly Invitae), Labcorp
Classification: Likely benign. Last evaluated: 2026-01-28. Review status: criteria provided, single submitter. Criteria: Invitae Variant Classification Sherloc (09022015). Collection method: clinical testing. Allele origin: germline.

Blueprint Genetics
Classification: Likely benign. Last evaluated: 2022-06-30. Review status: criteria provided, single submitter. Criteria: ACMG Guidelines, 2015. Collection method: clinical testing. Allele origin: germline.

Eurofins Ntd Llc (ga)
Classification: Uncertain significance. Last evaluated: 2017-11-29. Review status: criteria provided, single submitter. Criteria: EGL Classification Definitions 2015. Collection method: clinical testing. Allele origin: germline. Observed: 1 variant allele, 1 heterozygote.

GeneDx
Classification: Likely benign. Last evaluated: 2016-12-08. Review status: criteria provided, single submitter. Criteria: GeneDx Variant Classification (06012015). Collection method: clinical testing. Allele origin: germline. Affected: yes.
Comment: This variant is considered likely benign or benign based on one or more of the following criteria: it is a conservative change, it occurs at a poorly conserved position in the protein, it is predicted to be benign by multiple in silico algorithms, and/or has population frequency not consistent with disease.

NM_018006.5(TRMU):c.429C>T (p.His143=)

Gene: TRMU (tRNA mitochondrial 2-thiouridylase; plus strand). Cytogenetic location: 22q13.31.
Variant type: single nucleotide variant.
Coding change: c.429C>T on transcript NM_018006.5 (MANE Select); coding-DNA position 429, C replaced by T.
Protein change: p.His143=; no amino-acid change (histidine 143 retained).
Molecular consequence: synonymous variant. On other transcripts: missense variant (2), non-coding transcript variant (2).
Genome position (GRCh38, 1-based): chr22:46,346,495, C>T. VCF-style: chr22-46346495-C-T. GRCh37 (hg19) VCF-style: chr22-46742392-C-T.
Other names: c.87C>T, p.His29= (NM_001282782.2); c.68C>T, p.Thr23Met (NM_001282783.2, NM_001282784.2); c.429C>T, p.His143= (NM_001282785.2); c.68C>T (NM_001282784.1); short protein forms T23M.
Identifiers: ClinVar variation 391378 (VCV000391378.16), dbSNP rs746421213, ClinGen allele CA10292048.